The following is an entry in ClinVar:

NM_017534.6(MYH2):c.4772A>T (p.Gln1591Leu)

Genes: MYHAS (myosin heavy chain gene cluster antisense RNA; plus strand), MYH2 (myosin heavy chain 2; minus strand), LOC126862500 (BRD4-independent group 4 enhancer GRCh37_chr17:10427829-10429028; plus strand). Cytogenetic location: 17p13.1.
Variant type: single nucleotide variant.
Coding change: c.4772A>T on transcript NM_017534.6 (MANE Select); coding-DNA position 4772, A replaced by T.
Protein change: p.Gln1591Leu; replaces glutamine 1591 with leucine.
Molecular consequence: missense variant.
Genome position (GRCh38, 1-based): chr17:10,524,956, T>A on the plus strand (A>T on the coding strand, the complement: MYH2 is on the minus strand). VCF-style: chr17-10524956-T-A. GRCh37 (hg19) VCF-style: chr17-10428273-T-A.
Other names: c.4772A>T, p.Gln1591Leu (NM_001100112.2); short protein forms Q1591L.
Identifiers: ClinVar variation 4741734 (VCV004741734.1).
Genomic context (GRCh38, chr17:10,524,956, plus strand): 5'-ATCTCAGCATCCAGCGTGCTCTGCATGGACTCCACGATTCTAATGTGGTTTCTCTTCAGC[T>A]GGTCAATTTCCTCATCTTTTTCAGCAATTTTCCTATCAACCTCAGACTTGACTTGGTTCA-3'
Protein context (NP_060004.3, residues 1581-1601): KIAEKDEEID[Gln1591Leu]LKRNHIRIVE

ClinVar aggregate classification (germline): Uncertain significance (1 of 4 stars; one submission).

Conditions:
Myopathy, proximal, and ophthalmoplegia (CMYO6). Also called: INCLUSION BODY MYOPATHY 3, AUTOSOMAL DOMINANT; CONGENITAL MYOPATHY 6 WITH OPHTHALMOPLEGIA; MYOPATHY WITH CONGENITAL JOINT CONTRACTURES, OPHTHALMOPLEGIA, AND RIMMED VACUOLES. Identifiers: Orphanet 363677, Orphanet 79091, MedGen C1854106, MONDO:0011577, OMIM 605637.

gnomAD v4.1: 4 of 1,614,198 alleles (0.00025%); highest among the groups gnomAD compares: Non-Finnish European, 0.00025%; no homozygotes.

Submission:

Labcorp Genetics (formerly Invitae), Labcorp
Classification: Uncertain significance for Myopathy, proximal, and ophthalmoplegia. Last evaluated: 2025-07-27. Review status: criteria provided, single submitter. Criteria: Invitae Variant Classification Sherloc (09022015). Collection method: clinical testing. Allele origin: germline.
Comment: This sequence change replaces glutamine, which is neutral and polar, with leucine, which is neutral and non-polar, at codon 1591 of the MYH2 protein (p.Gln1591Leu). This variant is not present in population databases (gnomAD no frequency). This variant has not been reported in the literature in individuals affected with MYH2-related conditions. Invitae Evidence Modeling of protein sequence and biophysical properties (such as structural, functional, and spatial information, amino acid conservation, physicochemical variation, residue mobility, and thermodynamic stability) indicates that this missense variant is expected to disrupt MYH2 protein function with a positive predictive value of 80%. In summary, the available evidence is currently insufficient to determine the role of this variant in disease. Therefore, it has been classified as a Variant of Uncertain Significance.